The following is an entry in ClinVar:

NM_001190274.2(FBXO11):c.2654+4T>C

Genes: FBXO11 (F-box protein 11; minus strand), MSH6 (mutS homolog 6; plus strand). Cytogenetic location: 2p16.3.
Variant type: single nucleotide variant.
Coding change: c.2654+4T>C on transcript NM_001190274.2 (MANE Select); 4 bases into the intron after coding-DNA position 2654, T replaced by C.
Molecular consequence: intron variant.
Genome position (GRCh38, 1-based): chr2:47,808,325, A>G on the plus strand (T>C on the coding strand, the complement: FBXO11 is on the minus strand). VCF-style: chr2-47808325-A-G. GRCh37 (hg19) VCF-style: chr2-48035464-A-G.
Other names: c.*43+1422A>G (NM_001406809.1); c.*40+1425A>G (NM_001406796.1, NM_001406811.1, NM_001406805.1 and 2 more transcripts); c.2402+4T>C (NM_001374325.1, NM_025133.4).
Identifiers: ClinVar variation 4778814 (VCV004778814.1).

ClinVar aggregate classification (germline): Uncertain significance (1 of 4 stars; one submission).

gnomAD v4.1: 14 of 1,612,296 alleles (0.00087%); highest among the groups gnomAD compares: East Asian, 0.0045%; no homozygotes.

Submission:

Labcorp Genetics (formerly Invitae), Labcorp
Classification: Uncertain significance. Last evaluated: 2025-07-27. Review status: criteria provided, single submitter. Criteria: Invitae Variant Classification Sherloc (09022015). Collection method: clinical testing. Allele origin: germline.
Comment: This sequence change falls in intron 22 of the FBXO11 gene. It does not directly change the encoded amino acid sequence of the FBXO11 protein. It affects a nucleotide within the consensus splice site. This variant is present in population databases (rs774315189, gnomAD 0.004%). This variant has not been reported in the literature in individuals affected with FBXO11-related conditions. Variants that disrupt the consensus splice site are a relatively common cause of aberrant splicing (PMID: 17576681, 9536098). Algorithms developed to predict the effect of sequence changes on RNA splicing suggest that this variant is not likely to affect RNA splicing. In summary, the available evidence is currently insufficient to determine the role of this variant in disease. Therefore, it has been classified as a Variant of Uncertain Significance.

Literature cited by the submitters: PubMed 17576681; PubMed 9536098.